The following is an entry in ClinVar:

NM_033004.4(NLRP1):c.909T>G (p.Tyr303Ter)

Gene: NLRP1 (NLR family pyrin domain containing 1; minus strand). Cytogenetic location: 17p13.2.
Variant type: single nucleotide variant.
Coding change: c.909T>G on transcript NM_033004.4 (MANE Select); coding-DNA position 909, T replaced by G.
Protein change: p.Tyr303Ter; replaces tyrosine 303 with a stop codon.
Molecular consequence: nonsense.
Genome position (GRCh38, 1-based): chr17:5,559,787, A>C on the plus strand (T>G on the coding strand, the complement: NLRP1 is on the minus strand). VCF-style: chr17-5559787-A-C. GRCh37 (hg19) VCF-style: chr17-5463107-A-C.
Other names: c.909T>G, p.Tyr303Ter (NM_001033053.3, NM_014922.5, NM_033006.4 and 1 more transcripts); short protein forms Y303*.
Identifiers: ClinVar variation 1416913 (VCV001416913.7), dbSNP rs779784861, ClinGen allele CA8327464.

ClinVar aggregate classification (germline): Uncertain significance (1 of 4 stars; one submission).

Allele frequency attached by ClinVar (database versions not stated): gnomAD 0.00001; TOPMed 0.00003; gnomAD exomes 0.00007; ExAC 0.00009.
gnomAD v4.1: 39 of 1,614,112 alleles (0.0024%); highest among the groups gnomAD compares: South Asian, 0.0011%; no homozygotes.

Submissions (2):

Labcorp Genetics (formerly Invitae), Labcorp
Classification: Uncertain significance. Last evaluated: 2026-01-11. Review status: criteria provided, single submitter. Criteria: Invitae Variant Classification Sherloc (09022015). Collection method: clinical testing. Allele origin: germline.
Comment: This sequence change creates a premature translational stop signal (p.Tyr303*) in the NLRP1 gene. It is expected to result in an absent or disrupted protein product. However, the current clinical and genetic evidence is not sufficient to establish whether loss-of-function variants in NLRP1 cause disease. This variant is present in population databases (rs779784861, gnomAD 0.1%). This variant has not been reported in the literature in individuals affected with NLRP1-related conditions. ClinVar contains an entry for this variant (Variation ID: 1416913). In summary, the available evidence is currently insufficient to determine the role of this variant in disease. Therefore, it has been classified as a Variant of Uncertain Significance.

Dr. Peter K. Rogan Lab, Western University
No classification provided (evidence only). Condition: Thyroid cancer, nonmedullary, 1. Review status: no classification provided. Collection method: in vitro. Allele origin: not applicable. Functional consequence: skipped exon. Not counted in ClinVar's aggregate classification.